The following is an entry in ClinVar:

ClinVar aggregate classification (germline): Uncertain significance (1 of 4 stars; one submission).

Conditions:
Lymphatic malformation 6 (LMPHM6). Also called: GENERALIZED LYMPHATIC DYSPLASIA OF FOTIOU; Lymphedema, hereditary, III; PIEZO1-related generalized lymphatic dysplasia with non-immune hydrops fetalis. Identifiers: Orphanet 568062, MedGen C4225184, MONDO:0014797, OMIM 616843.

gnomAD v4.1: 6 of 1,532,094 alleles (0.00039%); highest among the groups gnomAD compares: East Asian, 0.0024%; no homozygotes.

Submission:

Clinical Genomics Laboratory, Washington University in St. Louis
Classification: Uncertain significance for Lymphatic malformation 6. Last evaluated: 2024-10-31. Review status: criteria provided, single submitter. Criteria: ACMG Guidelines, 2015. Collection method: clinical testing. Allele origin: germline.
Comment: A PIEZO1 c.1189C>T (p.Arg397Trp) was identified at a near heterozygous allelic fraction of 48.5%, a frequency which may be consistent with germline origin. This variant, to our knowledge, has not been reported in the medical literature. It is only observed on 6/1,532,094 alleles in the general population (gnomAD v.4.1.0), indicating it is not a common variant. Computational predictors are uncertain as to the impact of this variant on PIEZO1 function. Due to limited information, and based on ACMG/AMP guidelines for variant interpretation (Richards S et al., PMID: 25741868), the clinical significance of this variant is uncertain at this time.

NM_001142864.4(PIEZO1):c.1189C>T (p.Arg397Trp)

Genes: HSALR1 (HSP90AB1 associated lncRNA 1; plus strand), PIEZO1 (piezo type mechanosensitive ion channel component 1 (Er blood group); minus strand), LOC130059751 (ATAC-STARR-seq lymphoblastoid silent region 7872; plus strand). Cytogenetic location: 16q24.3.
Variant type: single nucleotide variant.
Coding change: c.1189C>T on transcript NM_001142864.4 (MANE Select); coding-DNA position 1189, C replaced by T.
Protein change: p.Arg397Trp; replaces arginine 397 with tryptophan.
Molecular consequence: missense variant.
Genome position (GRCh38, 1-based): chr16:88,737,565, G>A on the plus strand (C>T on the coding strand, the complement: PIEZO1 is on the minus strand). VCF-style: chr16-88737565-G-A. GRCh37 (hg19) VCF-style: chr16-88803973-G-A.
Other names: short protein forms R397W.
Identifiers: ClinVar variation 3600455 (VCV003600455.1).